The following is an entry in ClinVar:

ClinVar aggregate classification (germline): Uncertain significance. Review status: criteria provided, multiple submitters, no conflicts (2 of 4 stars). 3 submissions from 3 submitters: Uncertain significance (3). Last evaluated 2026-08-12.

Conditions:
PCDH15-related disorder. Also called: PCDH15-related condition; PCDH15-related disorders.

Submissions (3):

PreventionGenetics, part of Exact Sciences
Classification: Uncertain significance for PCDH15-related condition. Last evaluated: 2026-08-12. Review status: criteria provided, single submitter. Criteria: ACMG Guidelines, 2015. Collection method: clinical testing. Allele origin: germline.
Comment: The PCDH15 c.5113_5115delGAA variant is predicted to result in an in-frame deletion (p.Glu1705del). To our knowledge, this variant has not been reported in the literature. This variant is reported in 0.078% of alleles in individuals of East Asian descent in gnomAD, which may be too frequent to be a primary cause of disease. Although we suspect that this variant may be benign, at this time, the clinical significance of this variant is uncertain due to the absence of conclusive functional and genetic evidence.

Blueprint Genetics
Classification: Uncertain significance. Last evaluated: 2024-02-29. Review status: criteria provided, single submitter. Criteria: ACMG Guidelines, 2015. Collection method: clinical testing. Allele origin: germline.

Laboratory for Molecular Medicine, Mass General Brigham Personalized Medicine
Classification: Uncertain significance. Last evaluated: 2017-04-20. Review status: criteria provided, single submitter. Criteria: LMM Criteria. Collection method: clinical testing. Allele origin: germline. Observed: 2 variant alleles.
Comment: It has also been identified in 8/10848 East Asi an chromosomes by the Genome Aggregation Database (gnomAD; dbSNP rs730880019). This variant is an in-frame deletion of a singl e amino acid at position 1705 and is not predicted to alter the protein reading frame. In addition, the glutamine (Glu) residue at position 1705 is located in a region that is not well conserved across mammals or distant species suggesting that changes at this region may be tolerated; however, this information is insuf ficient to rule out pathogenicity. In summary, the clinical significance of this variant is uncertain.

NM_001384140.1(PCDH15):c.4671+1595GAA[3]

Gene: PCDH15 (protocadherin related 15; minus strand). Cytogenetic location: 10q21.1.
Variant type: Microsatellite.
Coding change: c.4671+1595GAA[3] on transcript NM_001384140.1 (MANE Select); three copies in a row of the 3-base unit GAA starting at c.4671+1595; the reference has four copies in a row; one copy, 3 bases deleted.
Molecular consequence: intron variant. On other transcripts: inframe indel (1), 3 prime UTR variant (1), inframe deletion (1).
Genome position (GRCh38, 1-based): chr10:53,808,950-53,808,952, TTC deleted on the plus strand (GAA on the coding strand, the reverse complement: PCDH15 is on the minus strand); deleting any 3 consecutive bases within chr10:53,808,950-53,808,962 gives the same sequence; the position shown is the placement nearest the transcript's 3' end. VCF-style (leftmost placement, unchanged base first): chr10-53808949-TTTC-T. GRCh37 (hg19) VCF-style: chr10-55568709-TTTC-T.
Other names: c.5103_5105AGA[3], p.Glu1705del (NM_001142769.4); c.*519GAA[3] (NM_001142770.3); c.5083GAA[3], p.Glu1698del (NM_001354411.2); c.4476+1595GAA[3] (NM_001354420.2); c.4605+1595GAA[3] (NM_001354429.2); c.4482+1595GAA[3] (NM_001142772.2); c.4497+1595GAA[3] (NM_001142771.2); short protein forms E1705del, E1698del.
Identifiers: ClinVar variation 164886 (VCV000164886.7), dbSNP rs730880019, ClinGen allele CA177573.
Genomic context (GRCh38, chr10:53,808,949, plus strand): 5'-CCTCTTCAGGGATATCTTGAGCTTCAGGGTCTGTACTTTCTTCCACAGGGGCTGGTCCAC[TTTC>T]TTCTTCTTCTGAGTGTTCTTCTTCTTCCATCTTAGGTTCTTTTTGTTCTTCTTGTGGCTC-3'